The following is an entry in ClinVar:

NM_001370259.2(MEN1):c.1003C>A (p.Arg335=)

Gene: MEN1 (menin 1; minus strand). Cytogenetic location: 11q13.1.
Variant type: single nucleotide variant.
Coding change: c.1003C>A on transcript NM_001370259.2 (MANE Select); coding-DNA position 1003, C replaced by A.
Protein change: p.Arg335=; no amino-acid change (arginine 335 retained).
Molecular consequence: synonymous variant.
Genome position (GRCh38, 1-based): chr11:64,806,278, G>T on the plus strand (C>A on the coding strand, the complement: MEN1 is on the minus strand). VCF-style: chr11-64806278-G-T. GRCh37 (hg19) VCF-style: chr11-64573750-G-T.
Other names: c.1018C>A, p.Arg340= (NM_000244.4, NM_130800.3, NM_130801.3 and 3 more transcripts); c.1003C>A, p.Arg335= (NM_001370251.2, NM_001370260.2, NM_001370261.2 and 1 more transcripts); c.898C>A, p.Arg300= (NM_001370262.2, NM_001370263.2).
Identifiers: ClinVar variation 255616 (VCV000255616.26), dbSNP rs371364206, ClinGen allele CA059657.

ClinVar aggregate classification (germline): Conflicting classifications of pathogenicity. Review status: criteria provided, conflicting classifications (1 of 4 stars). 11 submissions from 10 submitters: Uncertain significance (2); Benign (4); Likely benign (5). Last evaluated 2026-01-27.

Conditions:
Hereditary cancer-predisposing syndrome. Also called: Hereditary Cancer Syndrome; Tumor predisposition; Hereditary neoplastic syndrome; Neoplastic Syndromes, Hereditary. Identifiers: Orphanet 140162, MedGen C0027672, MeSH D009386, MONDO:0015356.
Hyperparathyroidism. Identifiers: MedGen C0020502, MONDO:0001741, HP:0000843.
Multiple endocrine neoplasia, type 1 (MEN1). Also called: MEN I; WERMER SYNDROME; Endocrine adenomatosis multiple; MEN 1; MEA I. Identifiers: Orphanet 652, MedGen C0025267, MeSH D018761, MONDO:0007540, OMIM 131100.

Allele frequency attached by ClinVar (database versions not stated): gnomAD 0.00006 and 0.00009; TOPMed 0.00008; gnomAD exomes 0.00014; ExAC 0.00016; 1000 Genomes Project 30x 0.00031; 1000 Genomes Project 0.00040.

Submissions (14):

Labcorp Genetics (formerly Invitae), Labcorp
Classification: Benign for Multiple endocrine neoplasia, type 1. Last evaluated: 2026-01-27. Review status: criteria provided, single submitter. Criteria: Invitae Variant Classification Sherloc (09022015). Collection method: clinical testing. Allele origin: germline.

Quest Diagnostics Nichols Institute San Juan Capistrano
Classification: Benign. Last evaluated: 2025-07-24. Review status: criteria provided, single submitter. Criteria: Quest Diagnostics criteria. Collection method: clinical testing. Allele origin: unknown.

Myriad Genetics, Inc.
Classification: Benign for Multiple endocrine neoplasia, type 1. Last evaluated: 2024-11-04. Review status: criteria provided, single submitter. Criteria: Myriad Autosomal Dominant, Autosomal Recessive and X-Linked Classification Criteria (2023). Collection method: clinical testing. Allele origin: unknown.
Comment: This variant is considered benign. This variant is a silent/synonymous amino acid change and it is not expected to impact splicing.

Blueprint Genetics
Classification: Uncertain significance. Last evaluated: 2024-09-18. Review status: criteria provided, single submitter. Criteria: ACMG Guidelines, 2015. Collection method: clinical testing. Allele origin: germline.

All of Us Research Program, National Institutes of Health
Classification: Likely benign for Multiple endocrine neoplasia, type 1. Last evaluated: 2023-12-07. Review status: criteria provided, single submitter. Criteria: ACMG Guidelines, 2015. Collection method: clinical testing. Allele origin: germline. Inheritance: Autosomal dominant inheritance. Observed: 15 variant alleles, 15 heterozygotes.
Comment: This study involves interpretation of variants in research participants for the purpose of population health screening. Participant phenotype was not available at the time of variant classification. Additional details can be found in publication PMID: 35346344, PMCID: PMC8962531

Color Diagnostics, LLC DBA Color Health
Classification: Likely benign for Multiple endocrine neoplasia, type 1. Last evaluated: 2022-11-06. Review status: criteria provided, single submitter. Criteria: ACMG Guidelines, 2015. Collection method: clinical testing. Allele origin: germline.

Ambry Genetics
Classification: Likely benign for Hereditary cancer-predisposing syndrome. Last evaluated: 2018-02-14. Review status: criteria provided, single submitter. Criteria: Ambry Variant Classification Scheme 2023. Collection method: clinical testing. Allele origin: germline.

Illumina Laboratory Services, Illumina
Classification: Uncertain significance for Hyperparathyroidism. Last evaluated: 2017-04-28. Review status: criteria provided, single submitter. Criteria: ICSL Variant Classification Criteria 13 December 2019. Collection method: clinical testing. Allele origin: germline.

Illumina Laboratory Services, Illumina
Classification: Benign for Multiple endocrine neoplasia, type 1. Last evaluated: 2017-04-28. Review status: criteria provided, single submitter. Criteria: ICSL Variant Classification Criteria 13 December 2019. Collection method: clinical testing. Allele origin: germline.
Comment: This variant was observed as part of a predisposition screen in an ostensibly healthy population. A literature search was performed for the gene, cDNA change, and amino acid change (where applicable). No publications were found based on this search. Allele frequency data from public databases was too high to be consistent with this variant causing disease. Therefore, this variant is classified as benign.

GeneDx
Classification: Likely benign. Last evaluated: 2016-08-03. Review status: criteria provided, single submitter. Criteria: GeneDx Variant Classification (06012015). Collection method: clinical testing. Allele origin: germline. Affected: yes.
Comment: This variant is considered likely benign or benign based on one or more of the following criteria: it is a conservative change, it occurs at a poorly conserved position in the protein, it is predicted to be benign by multiple in silico algorithms, and/or has population frequency not consistent with disease.

PreventionGenetics, part of Exact Sciences
Classification: Likely benign. Review status: criteria provided, single submitter. Criteria: ACMG Guidelines, 2015. Collection method: clinical testing. Allele origin: germline.

Dr. Peter K. Rogan Lab, Western University
No classification provided (evidence only). Condition: Malignant tumor of urinary bladder. Review status: no classification provided. Collection method: in vitro. Allele origin: not applicable. Functional consequence: retained intron. Not counted in ClinVar's aggregate classification.

Dr. Peter K. Rogan Lab, Western University
No classification provided (evidence only). Condition: Malignant tumor of esophagus. Review status: no classification provided. Collection method: in vitro. Allele origin: not applicable. Functional consequence: retained intron. Not counted in ClinVar's aggregate classification.

Dr. Peter K. Rogan Lab, Western University
No classification provided (evidence only). Condition: Malignant tumor of esophagus. Review status: no classification provided. Collection method: in vitro. Allele origin: not applicable. Functional consequence: retained intron. Not counted in ClinVar's aggregate classification.